The following continues an entry in ClinVar:

NM_000059.4(BRCA2):c.631G>A (p.Val211Ile)

Gene: BRCA2. ClinVar aggregate classification (germline): Pathogenic. Pathogenic (10).

Submissions 6 to 15 of 15:

Baylor Genetics
Classification: Pathogenic for Familial cancer of breast. Last evaluated: 2022-07-08. Review status: criteria provided, single submitter. Criteria: ACMG Guidelines, 2015. Collection method: clinical testing. Allele origin: unknown.

Revvity Omics, Revvity
Classification: Pathogenic. Last evaluated: 2022-02-23. Review status: criteria provided, single submitter. Criteria: ACMG Guidelines, 2015. Collection method: clinical testing. Allele origin: germline.

Quest Diagnostics Nichols Institute San Juan Capistrano
Classification: Pathogenic. Last evaluated: 2021-12-22. Review status: criteria provided, single submitter. Criteria: Quest Diagnostics criteria. Collection method: clinical testing. Allele origin: unknown.
Comment: This variant has not been reported in large, multi-ethnic general populations. In the published literature, the variant has been reported in patients with hereditary breast and ovarian cancer, prostate cancer, male breast cancer, and pancreatic cancer (PMIDs: 33471991 (2021), 32853339 (2021), 32854451 (2020), 32338768 (2020), 32058061 (2020), 32438681 (2020), 33287145 (2020), 30613976 (2019), 31512090 (2019), 31336956 (2019), 27125725 (2016), 22009639 (2012), 21934105 (2011), 19423647 (2009), 19179552 (2009), 12960223 (2003)). In functional studies, this variant has been shown to disrupt splicing and lead to exon skipping and premature truncation of the protein (PMIDs: 30883759 (2019), 23451180 (2013), 22962691 (2012), 19423647 (2009)). Of note, this variant is frequently reported in cis with BRCA2 c.7008-2A>T (p.?), also reported in the literature as IVS13-2A>T (PMIDs: 32338768 (2020), 32058061 (2020), 32438681 (2020), 33287145 (2020), 31336956 (2019), 19423647 (2009), 19179552 (2009), 12960223 (2003)).Analysis of this variant using bioinformatics tools for the prediction of the effect of amino acid changes on protein structure and function yielded conflicting predictions that this variant is disease causing or benign. Additional analysis using software algorithms for the prediction of the effect of nucleotide changes on splicing yielded predictions that this variant may affect proper BRCA2 mRNA splicing. Based on the available information, this variant is classified as pathogenic.

Mendelics
Classification: Pathogenic for Hereditary breast and ovarian cancer syndrome. Last evaluated: 2018-07-02. Review status: criteria provided, single submitter. Criteria: Mendelics Assertion Criteria 2017. Collection method: clinical testing. Allele origin: unknown.

Consortium of Investigators of Modifiers of BRCA1/2 (CIMBA), c/o University of Cambridge
Classification: Pathogenic for Breast-ovarian cancer, familial, susceptibility to, 2. Last evaluated: 2015-10-02. Review status: criteria provided, single submitter. Criteria: CIMBA Mutation Classification guidelines May 2016. Collection method: clinical testing. Allele origin: germline.

Counsyl
Classification: Pathogenic for Breast-ovarian cancer, familial, susceptibility to, 2. Last evaluated: 2016-12-05. Review status: no assertion criteria provided. Collection method: clinical testing. Allele origin: unknown. Not counted in ClinVar's aggregate classification.

Research Molecular Genetics Laboratory, Women's College Hospital, University of Toronto
Classification: Pathogenic for Hereditary breast ovarian cancer syndrome. Last evaluated: 2014-01-31. Review status: no assertion criteria provided. Collection method: research. Allele origin: germline. Affected: yes. Study: The Canadian Open Genetics Repository (COGR). Not counted in ClinVar's aggregate classification.

Breast Cancer Information Core (BIC) (BRCA2)
Classification: Pathogenic for Breast-ovarian cancer, familial 2. Last evaluated: 2002-05-29. Review status: no assertion criteria provided. Collection method: clinical testing. Allele origin: germline. Affected: yes. Observed: 8 variant alleles. Not counted in ClinVar's aggregate classification.

Department of Pathology and Laboratory Medicine, Sinai Health System
Classification: Pathogenic for Breast-ovarian cancer, familial, susceptibility to, 2. Review status: no assertion criteria provided. Collection method: clinical testing. Allele origin: unknown. Affected: yes. Study: The Canadian Open Genetics Repository (COGR). Not counted in ClinVar's aggregate classification.
Comment: The p.Val211Ile variant has been previously reported in the literature in 8 of 64 proband chromosomes of individuals with hereditary breast and/or ovarian cancer. However, no control chromosomes were evaluated to establish the prevalence of the variant in the general population (Colombo 2009, Pensabene 2009, Lowery 2011, Gaildrat 2012, Diez 2009). The variant occurs in the last base of the exon and this position has been shown to be part of the splicing consensus sequence and variants involving this position sometimes affect splicing. Indeed, functional studies have shown that the variant altered the natural splice sites leading to exon skipping due to modification of the sequence of the 5' splice site (Pensabene 2009, Gaildrat 2012). The variant has also been reported twice in the UMD database as a variant of unknown significance, and 8 times in the BIC database as a clinically significant variant. In both the cases reported in the UMD database, the variant was found to co-occur with the pathogenic BRCA2 variant (c.7008-2A>T). In summary, based on the above information, this variant is classified as pathogenic.

Foulkes Cancer Genetics LDI, Lady Davis Institute for Medical Research
Classification: Pathogenic for Breast and/or ovarian cancer. Review status: no assertion criteria provided. Collection method: clinical testing. Allele origin: germline. Study: The Canadian Open Genetics Repository (COGR). Not counted in ClinVar's aggregate classification.

Literature cited by the submitters: PubMed 19179552 (cited by 6 submitters); PubMed 19423647 (cited by 6 submitters); PubMed 21934105 (cited by 5 submitters); PubMed 27125725 (cited by 5 submitters); PubMed 30613976 (cited by Labcorp Genetics (formerly Invitae), Labcorp and Quest Diagnostics Nichols Institute San Juan Capistrano); PubMed 31336956 (cited by 3 submitters); PubMed 32438681 (cited by Labcorp Genetics (formerly Invitae), Labcorp and Quest Diagnostics Nichols Institute San Juan Capistrano); PubMed 32853339 (cited by Labcorp Genetics (formerly Invitae), Labcorp and Quest Diagnostics Nichols Institute San Juan Capistrano); PubMed 33804961 (cited by Labcorp Genetics (formerly Invitae), Labcorp); PubMed 17576681 (cited by Labcorp Genetics (formerly Invitae), Labcorp); PubMed 9536098 (cited by Labcorp Genetics (formerly Invitae), Labcorp); PubMed 22962691 (cited by 6 submitters); PubMed 23451180 (cited by 5 submitters); PubMed 12960223 (cited by 4 submitters); PubMed 21523855 (cited by 3 submitters); PubMed 29446198 (cited by Ambry Genetics and Quest Diagnostics Nichols Institute San Juan Capistrano); PubMed 22009639 (cited by 3 submitters); PubMed 19542536 (cited by Women's Health and Genetics/Laboratory Corporation of America, LabCorp and Counsyl); PubMed 27062684 (cited by Women's Health and Genetics/Laboratory Corporation of America, LabCorp); PubMed 30883759 (cited by Quest Diagnostics Nichols Institute San Juan Capistrano); PubMed 32854451 (cited by Quest Diagnostics Nichols Institute San Juan Capistrano); PubMed 32338768 (cited by Quest Diagnostics Nichols Institute San Juan Capistrano); PubMed 31512090 (cited by Quest Diagnostics Nichols Institute San Juan Capistrano); PubMed 32058061 (cited by Quest Diagnostics Nichols Institute San Juan Capistrano); PubMed 33287145 (cited by Quest Diagnostics Nichols Institute San Juan Capistrano); PubMed 33471991 (cited by Quest Diagnostics Nichols Institute San Juan Capistrano).